The following is an entry in ClinVar:

NM_021008.4(DEAF1):c.1306G>A (p.Ala436Thr)

Genes: DEAF1 (DEAF1 transcription factor; minus strand), LOC126861109 (BRD4-independent group 4 enhancer GRCh37_chr11:673917-675116; plus strand). Cytogenetic location: 11p15.5.
Variant type: single nucleotide variant.
Coding change: c.1306G>A on transcript NM_021008.4 (MANE Select); coding-DNA position 1306, G replaced by A.
Protein change: p.Ala436Thr; replaces alanine 436 with threonine.
Molecular consequence: missense variant.
Genome position (GRCh38, 1-based): chr11:674,733, C>T on the plus strand (G>A on the coding strand, the complement: DEAF1 is on the minus strand). VCF-style: chr11-674733-C-T. GRCh37 (hg19) VCF-style: chr11-674733-C-T.
Other names: c.1039G>A, p.Ala347Thr (NM_001293634.2); c.580G>A, p.Ala194Thr (NM_001367390.1); short protein forms A194T, A347T, A436T.
Identifiers: ClinVar variation 1169181 (VCV001169181.13), dbSNP rs7125451, ClinGen allele CA5786249.

ClinVar aggregate classification (germline): Benign/Likely benign. Review status: criteria provided, multiple submitters, no conflicts (2 of 4 stars). 2 submissions from 2 submitters: Benign (1); Likely benign (1). Last evaluated 2026-01-13.

Allele frequency attached by ClinVar (database versions not stated): gnomAD 0.00064 and 0.00053; ExAC 0.00133; gnomAD exomes 0.00137; 1000 Genomes Project 30x 0.00281; 1000 Genomes Project 0.00319; TOPMed 0.00061.
gnomAD v4.1: 479 of 1,613,822 alleles (0.03%); highest among the groups gnomAD compares: East Asian, 1%; 4 homozygotes.

Submissions (2):

Labcorp Genetics (formerly Invitae), Labcorp
Classification: Benign. Last evaluated: 2026-01-13. Review status: criteria provided, single submitter. Criteria: Invitae Variant Classification Sherloc (09022015). Collection method: clinical testing. Allele origin: germline.

CeGaT Center for Human Genetics Tuebingen
Classification: Likely benign. Last evaluated: 2026-01-01. Review status: criteria provided, single submitter. Criteria: CeGaT Center For Human Genetics Tuebingen Variant Classification Criteria Version 2. Collection method: clinical testing. Allele origin: germline. Affected: yes. Observed: 1 variant allele.
Comment: DEAF1: BP4, BS1